The following is an entry in ClinVar:

ClinVar aggregate classification (germline): Uncertain significance. Review status: criteria provided, multiple submitters, no conflicts (2 of 4 stars). 4 submissions from 4 submitters: Uncertain significance (4). Last evaluated 2025-08-29.

Conditions:
Inborn genetic diseases. Identifiers: MedGen C0950123, MeSH D030342.
D-2-hydroxyglutaric aciduria 1 (D2HGA1). Identifiers: Orphanet 79315, MedGen C3152055, MONDO:0024554, OMIM 600721.

Allele frequency attached by ClinVar (database versions not stated): gnomAD exomes 0.00001; gnomAD 0.00002; TOPMed 0.00002.
gnomAD v4.1: 42 of 1,606,592 alleles (0.0026%); highest among the groups gnomAD compares: Non-Finnish European, 0.0036%; no homozygotes.

Submissions (4):

Ambry Genetics
Classification: Uncertain significance for Inborn genetic diseases. Last evaluated: 2025-08-29. Review status: criteria provided, single submitter. Criteria: Ambry Variant Classification Scheme 2023. Collection method: clinical testing. Allele origin: germline.

Blueprint Genetics
Classification: Uncertain significance. Last evaluated: 2024-05-29. Review status: criteria provided, single submitter. Criteria: ACMG Guidelines, 2015. Collection method: clinical testing. Allele origin: germline.

Labcorp Genetics (formerly Invitae), Labcorp
Classification: Uncertain significance for D-2-hydroxyglutaric aciduria 1. Last evaluated: 2020-11-06. Review status: criteria provided, single submitter. Criteria: Invitae Variant Classification Sherloc (09022015). Collection method: clinical testing. Allele origin: germline.
Comment: Algorithms developed to predict the effect of missense changes on protein structure and function are either unavailable or do not agree on the potential impact of this missense change (SIFT: "Deleterious"; PolyPhen-2: "Possibly Damaging"; Align-GVGD: "Class C0"). This variant has been observed in individual(s) with D-2-hydroxyglutaric aciduria (Invitae). ClinVar contains an entry for this variant (Variation ID: 210818). In summary, the available evidence is currently insufficient to determine the role of this variant in disease. Therefore, it has been classified as a Variant of Uncertain Significance. This variant is not present in population databases (ExAC no frequency). This sequence change replaces arginine with proline at codon 94 of the D2HGDH protein (p.Arg94Pro). The arginine residue is weakly conserved and there is a moderate physicochemical difference between arginine and proline.

Genetic Services Laboratory, University of Chicago
Classification: Uncertain significance. Last evaluated: 2014-12-10. Review status: criteria provided, single submitter. Criteria: ACMG Guidelines, 2015. Collection method: clinical testing. Allele origin: germline.

NM_152783.5(D2HGDH):c.281G>C (p.Arg94Pro)

Genes: D2HGDH (D-2-hydroxyglutarate dehydrogenase; plus strand), LOC129936033 (ATAC-STARR-seq lymphoblastoid active region 17430; plus strand). Cytogenetic location: 2q37.3.
Variant type: single nucleotide variant.
Coding change: c.281G>C on transcript NM_152783.5 (MANE Select); coding-DNA position 281, G replaced by C.
Protein change: p.Arg94Pro; replaces arginine 94 with proline.
Molecular consequence: missense variant. On other transcripts: 5 prime UTR variant (1), non-coding transcript variant (1), intron variant (1).
Genome position (GRCh38, 1-based): chr2:241,735,505, G>C. VCF-style: chr2-241735505-G-C. GRCh37 (hg19) VCF-style: chr2-242674920-G-C.
Other names: c.-264G>C (NM_001352824.2); c.-111+810G>C (NM_001287249.2); short protein forms R94P.
Identifiers: ClinVar variation 210818 (VCV000210818.16), dbSNP rs797045509, ClinGen allele CA206686.